The following is an entry in ClinVar:

ClinVar aggregate classification (germline): Uncertain significance (1 of 4 stars; one submission).

Conditions:
Cardiomyopathy (CMYO). Also called: Cardiomyopathies. Identifiers: Orphanet 167848, MedGen C0878544, MONDO:0004994, HP:0001638. Inheritance: Various modes of inheritance.

Submission:

Color Diagnostics, LLC DBA Color Health
Classification: Uncertain significance for Cardiomyopathy. Last evaluated: 2025-09-08. Review status: criteria provided, single submitter. Criteria: ACMG Guidelines, 2015. Collection method: clinical testing. Allele origin: germline.
Comment: This missense variant replaces isoleucine with methionine at codon 462 of the DSP protein. Computational prediction suggests that this variant may not impact protein structure and function. To our knowledge, functional studies have not been reported for this variant. This variant has not been reported in individuals affected with DSP-related disorders in the literature. This variant has not been identified in the general population by the Genome Aggregation Database (gnomAD). The available evidence is insufficient to determine the role of this variant in disease conclusively. Therefore, this variant is classified as a Variant of Uncertain Significance.

NM_004415.4(DSP):c.1386T>G (p.Ile462Met)

Gene: DSP (desmoplakin; plus strand). Cytogenetic location: 6p24.3.
Variant type: single nucleotide variant.
Coding change: c.1386T>G on transcript NM_004415.4 (MANE Select); coding-DNA position 1386, T replaced by G.
Protein change: p.Ile462Met; replaces isoleucine 462 with methionine.
Molecular consequence: missense variant.
Genome position (GRCh38, 1-based): chr6:7,568,556, T>G. VCF-style: chr6-7568556-T-G. GRCh37 (hg19) VCF-style: chr6-7568789-T-G.
Other names: c.1386T>G, p.Ile462Met (NM_001008844.3, NM_001319034.2, NM_001406591.1); short protein forms I462M.
Identifiers: ClinVar variation 4756451 (VCV004756451.1).